The following is an entry in ClinVar:

ClinVar aggregate classification (germline): Benign/Likely benign. Review status: criteria provided, multiple submitters, no conflicts (2 of 4 stars). 4 submissions from 4 submitters: Benign (1); Likely benign (3). Last evaluated 2025-10-21.

Conditions:
Inborn genetic diseases. Identifiers: MedGen C0950123, MeSH D030342.
Combined oxidative phosphorylation deficiency. Identifiers: MedGen C4540031, MONDO:0000732.
Charcot-Marie-Tooth Neuropathy X. Identifiers: MedGen CN118851.
AIFM1-related disorder. Also called: AIFM1-related condition.

Allele frequency attached by ClinVar (database versions not stated): TOPMed 0.00007; gnomAD 0.00009 and 0.00011; gnomAD exomes 0.00009 and 0.00013; ExAC 0.00011.
gnomAD v4.1: 107 of 1,210,035 alleles (0.0088%); highest among the groups gnomAD compares: Non-Finnish European, 0.0083%; no homozygotes.

Submissions (4):

Labcorp Genetics (formerly Invitae), Labcorp
Classification: Likely benign for Charcot-Marie-Tooth Neuropathy X; Combined oxidative phosphorylation deficiency. Last evaluated: 2025-10-21. Review status: criteria provided, single submitter. Criteria: Invitae Variant Classification Sherloc (09022015). Collection method: clinical testing. Allele origin: germline.

PreventionGenetics, part of Exact Sciences
Classification: Likely benign for AIFM1-related condition. Last evaluated: 2025-09-10. Review status: criteria provided, single submitter. Criteria: ACMG Guidelines, 2015. Collection method: clinical testing. Allele origin: germline.
Comment: This variant is classified as likely benign based on ACMG/AMP sequence variant interpretation guidelines (Richards et al. 2015 PMID: 25741868, with internal and published modifications).

Blueprint Genetics
Classification: Likely benign. Last evaluated: 2024-11-28. Review status: criteria provided, single submitter. Criteria: ACMG Guidelines, 2015. Collection method: clinical testing. Allele origin: germline.

Ambry Genetics
Classification: Benign for Inborn genetic diseases. Last evaluated: 2021-04-29. Review status: criteria provided, single submitter. Criteria: Ambry Variant Classification Scheme 2023. Collection method: clinical testing. Allele origin: germline.

NM_004208.4(AIFM1):c.1609G>A (p.Glu537Lys)

Genes: AIFM1 (apoptosis inducing factor mitochondria associated 1; minus strand), RAB33A (RAB33A, member RAS oncogene family; plus strand). Cytogenetic location: Xq26.1.
Variant type: single nucleotide variant.
Coding change: c.1609G>A on transcript NM_004208.4 (MANE Select); coding-DNA position 1609, G replaced by A.
Protein change: p.Glu537Lys; replaces glutamic acid 537 with lysine.
Molecular consequence: missense variant. On other transcripts: 3 prime UTR variant (1), non-coding transcript variant (1).
Genome position (GRCh38, 1-based): chrX:130,130,131, C>T on the plus strand (G>A on the coding strand, the complement: AIFM1 is on the minus strand). VCF-style: chrX-130130131-C-T. GRCh37 (hg19) VCF-style: chrX-129264106-C-T.
Other names: c.592G>A, p.Glu198Lys (NM_001130846.4); c.*837G>A (NM_001130847.4); c.1597G>A, p.Glu533Lys (NM_145812.3); short protein forms E537K, E533K, E198K.
Identifiers: ClinVar variation 543930 (VCV000543930.15), dbSNP rs761765345, ClinGen allele CA10515248.